The following is an entry in ClinVar:

NM_001276270.2(MBD4):c.1656T>C (p.Pro552=)

Gene: MBD4 (methyl-CpG binding domain 4, DNA glycosylase; minus strand). Cytogenetic location: 3q21.3.
Variant type: single nucleotide variant.
Coding change: c.1656T>C on transcript NM_001276270.2 (MANE Select); coding-DNA position 1656, T replaced by C.
Protein change: p.Pro552=; no amino-acid change (proline 552 retained).
Molecular consequence: synonymous variant. On other transcripts: stop lost (1).
Genome position (GRCh38, 1-based): chr3:129,431,570, A>G on the plus strand (T>C on the coding strand, the complement: MBD4 is on the minus strand). VCF-style: chr3-129431570-A-G. GRCh37 (hg19) VCF-style: chr3-129150413-A-G.
Other names: c.1621T>C, p.Ter541Arg (NM_001276272.2); c.720T>C, p.Pro240= (NM_001276273.2); c.1674T>C, p.Pro558= (NM_003925.3); c.1674T>C (NM_003925.2).
Identifiers: ClinVar variation 3677170 (VCV003677170.5).

ClinVar aggregate classification (germline): Benign/Likely benign. Review status: criteria provided, multiple submitters, no conflicts (2 of 4 stars). 4 submissions from 4 submitters: Benign (1); Likely benign (3). Last evaluated 2026-06-12.

Conditions:
Inborn genetic diseases. Identifiers: MedGen C0950123, MeSH D030342.
MBD4-related disorder. Also called: MBD4-related condition.
Tumor predisposition syndrome 2 (TPDS2). Also called: MBD4-associated neoplasia syndrome (MANS); MBD4-ASSOCIATED NEOPLASIA SYNDROME; MBD4-Related Tumor Predisposition Syndrome. Identifiers: Orphanet 661526, MedGen C5774186, MONDO:0859267, OMIM 619975.

Submissions (4):

Myriad Genetics, Inc.
Classification: Benign for Tumor predisposition syndrome 2. Last evaluated: 2026-06-12. Review status: criteria provided, single submitter. Criteria: Myriad Autosomal Dominant, Autosomal Recessive and X-Linked Classification Criteria (2023). Collection method: clinical testing. Allele origin: unknown.
Comment: This variant is considered benign. This variant is a silent/synonymous amino acid change and it is not expected to impact splicing.

PreventionGenetics, part of Exact Sciences
Classification: Likely benign for MBD4-related condition. Last evaluated: 2026-02-18. Review status: criteria provided, single submitter. Criteria: ACMG Guidelines, 2015. Collection method: clinical testing. Allele origin: germline.
Comment: This variant is classified as likely benign based on ACMG/AMP sequence variant interpretation guidelines (Richards et al. 2015 PMID: 25741868, with internal and published modifications).

Labcorp Genetics (formerly Invitae), Labcorp
Classification: Likely benign. Last evaluated: 2025-02-05. Review status: criteria provided, single submitter. Criteria: Invitae Variant Classification Sherloc (09022015). Collection method: clinical testing. Allele origin: germline.

Ambry Genetics
Classification: Likely benign for Inborn genetic diseases. Last evaluated: 2025-01-13. Review status: criteria provided, single submitter. Criteria: Ambry Variant Classification Scheme 2023. Collection method: clinical testing. Allele origin: germline.